The following is an entry in ClinVar:

ClinVar aggregate classification (germline): Uncertain significance (1 of 4 stars; one submission).

Conditions:
Cardiovascular phenotype. Identifiers: MedGen CN230736.

Allele frequency attached by ClinVar (database versions not stated): gnomAD exomes below 0.00001.
gnomAD v4.1: 4 of 1,613,906 alleles (0.00025%); highest among the groups gnomAD compares: Non-Finnish European, 0.00025%; no homozygotes.

Submission:

Ambry Genetics
Classification: Uncertain significance for Cardiovascular phenotype. Last evaluated: 2016-11-11. Review status: criteria provided, single submitter. Criteria: Ambry Variant Classification Scheme 2023. Collection method: clinical testing. Allele origin: germline.
Comment: The p.G2339S variant (also known as c.7015G>A), located in coding exon 46 of the RYR2 gene, results from a G to A substitution at nucleotide position 7015. The glycine at codon 2339 is replaced by serine, an amino acid with similar properties. This variant was not reported in population based cohorts in the following databases: ExAC, Database of Single Nucleotide Polymorphisms (dbSNP), NHLBI Exome Sequencing Project (ESP), and 1000 Genomes Project. In the ESP, this variant was not observed in 6054 samples (12108 alleles) with coverage at this position. This amino acid position is highly conserved in available vertebrate species. In addition, this alteration is predicted to be deleterious by in silico analysis. Since supporting evidence is limited at this time, the clinical significance of this alteration remains unclear.

NM_001035.3(RYR2):c.7015G>A (p.Gly2339Ser)

Gene: RYR2 (ryanodine receptor 2; plus strand). Cytogenetic location: 1q43.
Variant type: single nucleotide variant.
Coding change: c.7015G>A on transcript NM_001035.3 (MANE Select); coding-DNA position 7015, G replaced by A.
Protein change: p.Gly2339Ser; replaces glycine 2339 with serine.
Molecular consequence: missense variant.
Genome position (GRCh38, 1-based): chr1:237,639,101, G>A. VCF-style: chr1-237639101-G-A. GRCh37 (hg19) VCF-style: chr1-237802401-G-A.
Other names: c.7015G>A, p.Gly2339Ser (LRG_402t1); short protein forms G2339S.
Identifiers: ClinVar variation 519352 (VCV000519352.5), dbSNP rs900562086, ClinGen allele CA075335.